The following is an entry in ClinVar:

ClinVar aggregate classification (germline): Conflicting classifications of pathogenicity. Review status: criteria provided, conflicting classifications (1 of 4 stars). 2 submissions from 2 submitters: Uncertain significance (1); Benign (1). Last evaluated 2019-03-27.

Conditions:
Hereditary sensory neuropathy-deafness-dementia syndrome. Also called: Hereditary sensory neuropathy type IE; Hereditary Sensory and Autonomic Neuropathy Type 1E (HSAN1E); HSN IE; NEUROPATHY, HEREDITARY SENSORY, WITH HEARING LOSS AND DEMENTIA. Identifiers: Orphanet 456318, MedGen C3279885, MONDO:0013584, OMIM 614116.

Allele frequency attached by ClinVar (database versions not stated): gnomAD below 0.00001 and 0.00001; gnomAD exomes 0.00001 and 0.00002; ExAC 0.00002.
gnomAD v4.1: 12 of 1,612,230 alleles (0.00074%); highest among the groups gnomAD compares: South Asian, 0.013%; no homozygotes.

Submissions (2):

Labcorp Genetics (formerly Invitae), Labcorp
Classification: Uncertain significance for Hereditary sensory neuropathy-deafness-dementia syndrome. Last evaluated: 2019-03-27. Review status: criteria provided, single submitter. Criteria: Invitae Variant Classification Sherloc (09022015). Collection method: clinical testing. Allele origin: germline.
Comment: This sequence change falls in intron 34 of the DNMT1 gene. It does not directly change the encoded amino acid sequence of the DNMT1 protein, but it affects a nucleotide within the consensus splice site of the intron. This variant is present in population databases (rs774356396, ExAC 0.01%). In summary, the available evidence is currently insufficient to determine the role of this variant in disease. Therefore, it has been classified as a Variant of Uncertain Significance. Nucleotide substitutions within the consensus splice site are a relatively common cause of aberrant splicing (PMID: 17576681, 9536098). Algorithms developed to predict the effect of sequence changes on RNA splicing suggest that this variant is not likely to affect RNA splicing, but this prediction has not been confirmed by published transcriptional studies. This variant has not been reported in the literature in individuals with DNMT1-related conditions. ClinVar contains an entry for this variant (Variation ID: 327890).

Illumina Laboratory Services, Illumina
Classification: Benign for Hereditary sensory neuropathy-deafness-dementia syndrome. Last evaluated: 2018-01-12. Review status: criteria provided, single submitter. Criteria: ICSL Variant Classification Criteria 13 December 2019. Collection method: clinical testing. Allele origin: germline.
Comment: This variant was observed in the ICSL laboratory as part of a predisposition screen in an ostensibly healthy population. It had not been previously curated by ICSL or reported in the Human Gene Mutation Database (HGMD: prior to June 1st, 2018), and was therefore a candidate for classification through an automated scoring system. Utilizing variant allele frequency, disease prevalence and penetrance estimates, and inheritance mode, an automated score was calculated to assess if this variant is too frequent to cause the disease. Based on the score and internal cut-off values, a variant classified as benign is not then subjected to further curation. The score for this variant resulted in a classification of benign for this disease.

Literature cited by the submitters: PubMed 17576681 (cited by Labcorp Genetics (formerly Invitae), Labcorp); PubMed 9536098 (cited by Labcorp Genetics (formerly Invitae), Labcorp).

NM_001130823.3(DNMT1):c.3948+4G>A

Gene: DNMT1 (DNA methyltransferase 1; minus strand). Cytogenetic location: 19p13.2.
Variant type: single nucleotide variant.
Coding change: c.3948+4G>A on transcript NM_001130823.3 (MANE Select); 4 bases into the intron after coding-DNA position 3948, G replaced by A.
Molecular consequence: intron variant.
Genome position (GRCh38, 1-based): chr19:10,139,672, C>T on the plus strand (G>A on the coding strand, the complement: DNMT1 is on the minus strand). VCF-style: chr19-10139672-C-T. GRCh37 (hg19) VCF-style: chr19-10250348-C-T.
Other names: c.3585+4G>A (NM_001318731.2); c.3900+4G>A (NM_001379.4, NM_001318730.2); c.3948+4G>A (LRG_362t1).
Identifiers: ClinVar variation 327890 (VCV000327890.13), dbSNP rs774356396, ClinGen allele CA9187642.